The following is an entry in ClinVar:

NM_000038.6(APC):c.497C>T (p.Thr166Ile)

Gene: APC (APC regulator of Wnt signaling pathway; plus strand). Cytogenetic location: 5q22.2.
Variant type: single nucleotide variant.
Coding change: c.497C>T on transcript NM_000038.6 (MANE Select); coding-DNA position 497, C replaced by T.
Protein change: p.Thr166Ile; replaces threonine 166 with isoleucine.
Molecular consequence: missense variant. On other transcripts: 5 prime UTR variant (1).
Genome position (GRCh38, 1-based): chr5:112,775,703, C>T. VCF-style: chr5-112775703-C-T. GRCh37 (hg19) VCF-style: chr5-112111400-C-T.
Other names: c.497C>T, p.Thr166Ile (NM_001127510.3, NM_001354895.2, NM_001354896.2 and 2 more transcripts); c.527C>T, p.Thr176Ile (NM_001127511.3, NM_001354897.2, NM_001354902.2); c.422C>T, p.Thr141Ile (NM_001354898.2, NM_001354904.2); c.320C>T, p.Thr107Ile (NM_001354900.2, NM_001354901.2, NM_001354905.2); c.-539C>T (NM_001354906.2); short protein forms T166I, T176I, T141I, T107I.
Identifiers: ClinVar variation 1448287 (VCV001448287.8), dbSNP rs2149615683, ClinGen allele CA16022412.

ClinVar aggregate classification (germline): Uncertain significance (1 of 4 stars; one submission).

Conditions:
Familial adenomatous polyposis 1 (FAP1). Also called: FAMILIAL ADENOMATOUS POLYPOSIS 1, ATTENUATED; POLYPOSIS, ADENOMATOUS INTESTINAL. Identifiers: MedGen C2713442, MONDO:0021056, OMIM 175100. Disease mechanism: loss of function.

Submission:

Labcorp Genetics (formerly Invitae), Labcorp
Classification: Uncertain significance for Familial adenomatous polyposis 1. Last evaluated: 2021-08-02. Review status: criteria provided, single submitter. Criteria: Invitae Variant Classification Sherloc (09022015). Collection method: clinical testing. Allele origin: germline.
Comment: In summary, the available evidence is currently insufficient to determine the role of this variant in disease. Therefore, it has been classified as a Variant of Uncertain Significance. Algorithms developed to predict the effect of missense changes on protein structure and function are either unavailable or do not agree on the potential impact of this missense change (SIFT: "Deleterious"; PolyPhen-2: "Probably Damaging"; Align-GVGD: "Class C0"). This variant has not been reported in the literature in individuals with APC-related conditions. This variant is not present in population databases (ExAC no frequency). This sequence change replaces threonine with isoleucine at codon 166 of the APC protein (p.Thr166Ile). The threonine residue is highly conserved and there is a moderate physicochemical difference between threonine and isoleucine.